The following is an entry in ClinVar:

ClinVar aggregate classification (germline): Uncertain significance (1 of 4 stars; one submission).

Conditions:
Hereditary cancer-predisposing syndrome. Also called: Neoplastic Syndromes, Hereditary; Tumor predisposition; Hereditary Cancer Syndrome; Hereditary neoplastic syndrome. Identifiers: Orphanet 140162, MedGen C0027672, MeSH D009386, MONDO:0015356.

gnomAD v4.1: 3 of 1,613,650 alleles (0.00019%); highest among the groups gnomAD compares: African/African-American, 0.004%; no homozygotes.

Submission:

Ambry Genetics
Classification: Uncertain significance for Hereditary cancer-predisposing syndrome. Last evaluated: 2023-12-26. Review status: criteria provided, single submitter. Criteria: Ambry Variant Classification Scheme 2023. Collection method: clinical testing. Allele origin: germline.
Comment: The p.N2402T variant (also known as c.7205A>C), located in coding exon 15 of the APC gene, results from an A to C substitution at nucleotide position 7205. The asparagine at codon 2402 is replaced by threonine, an amino acid with similar properties. This amino acid position is well conserved in available vertebrate species. In addition, in silico predictors for this gene do not accurately predict pathogenicity. Since supporting evidence is limited at this time, the clinical significance of this alteration remains unclear.

NM_000038.6(APC):c.7205A>C (p.Asn2402Thr)

Gene: APC (APC regulator of Wnt signaling pathway; plus strand). Cytogenetic location: 5q22.2.
Variant type: single nucleotide variant.
Coding change: c.7205A>C on transcript NM_000038.6 (MANE Select); coding-DNA position 7205, A replaced by C.
Protein change: p.Asn2402Thr; replaces asparagine 2402 with threonine.
Molecular consequence: missense variant.
Genome position (GRCh38, 1-based): chr5:112,842,799, A>C. VCF-style: chr5-112842799-A-C. GRCh37 (hg19) VCF-style: chr5-112178496-A-C.
Other names: c.7205A>C, p.Asn2402Thr (NM_001127510.3, NM_001354895.2); c.7151A>C, p.Asn2384Thr (NM_001127511.3); c.7259A>C, p.Asn2420Thr (NM_001354896.2); c.7235A>C, p.Asn2412Thr (NM_001354897.2); c.7130A>C, p.Asn2377Thr (NM_001354898.2); c.7121A>C, p.Asn2374Thr (NM_001354899.2); c.7082A>C, p.Asn2361Thr (NM_001354900.2); c.7028A>C, p.Asn2343Thr (NM_001354901.2); and 5 more; short protein forms N2402T, N2384T, N2276T, N2311T, N2377T, N2119T, N2412T, N2361T.
Identifiers: ClinVar variation 482314 (VCV000482314.5), dbSNP rs745843442, ClinGen allele CA16037020.